The following is an entry in ClinVar:

NM_001009944.3(PKD1):c.11674C>T (p.Arg3892Cys)

Genes: PKD1 (polycystin 1, transient receptor potential channel interacting; minus strand), PKD1-AS1 (PKD1 antisense RNA 1; plus strand). Cytogenetic location: 16p13.3.
Variant type: single nucleotide variant.
Coding change: c.11674C>T on transcript NM_001009944.3 (MANE Select); coding-DNA position 11674, C replaced by T.
Protein change: p.Arg3892Cys; replaces arginine 3892 with cysteine.
Molecular consequence: missense variant. On other transcripts: non-coding transcript variant (1).
Genome position (GRCh38, 1-based): chr16:2,091,461, G>A on the plus strand (C>T on the coding strand, the complement: PKD1 is on the minus strand). VCF-style: chr16-2091461-G-A. GRCh37 (hg19) VCF-style: chr16-2141462-G-A.
Other names: c.11671C>T, p.Arg3891Cys (NM_000296.4); short protein forms R3891C, R3892C.
Identifiers: ClinVar variation 3764222 (VCV003764222.1).

ClinVar aggregate classification (germline): Uncertain significance (1 of 4 stars; one submission).

gnomAD v4.1: 13 of 1,265,048 alleles (0.001%); highest among the groups gnomAD compares: Non-Finnish European, 0.0011%; no homozygotes.

Submission:

GeneDx
Classification: Uncertain significance. Last evaluated: 2024-08-20. Review status: criteria provided, single submitter. Criteria: GeneDx Variant Classification Process June 2021. Collection method: clinical testing. Allele origin: germline. Affected: yes.
Comment: Not observed at significant frequency in large population cohorts (gnomAD); In silico analysis supports that this missense variant has a deleterious effect on protein structure/function; Has not been previously published as pathogenic or benign to our knowledge